The following is an entry in ClinVar:

ClinVar aggregate classification (germline): Uncertain significance. Review status: criteria provided, multiple submitters, no conflicts (2 of 4 stars). 2 submissions from 2 submitters: Uncertain significance (2). Last evaluated 2020-08-05.

Submissions (2):

Blueprint Genetics
Classification: Uncertain significance. Last evaluated: 2020-08-05. Review status: criteria provided, single submitter. Criteria: ACMG Guidelines, 2015. Collection method: clinical testing. Allele origin: germline.

GeneDx
Classification: Uncertain significance. Last evaluated: 2019-06-17. Review status: criteria provided, single submitter. Criteria: GeneDx Variant Classification Process June 2021. Collection method: clinical testing. Allele origin: germline. Affected: yes.
Comment: Not observed in large population cohorts (Lek et al., 2016); In silico analysis, which includes protein predictors and evolutionary conservation, supports a deleterious effect; Has not been previously published as pathogenic or benign to our knowledge

NM_017780.4(CHD7):c.5747T>C (p.Leu1916Pro)

Gene: CHD7 (chromodomain helicase DNA binding protein 7; plus strand). Cytogenetic location: 8q12.2.
Variant type: single nucleotide variant.
Coding change: c.5747T>C on transcript NM_017780.4 (MANE Select); coding-DNA position 5747, T replaced by C.
Protein change: p.Leu1916Pro; replaces leucine 1916 with proline.
Molecular consequence: missense variant. On other transcripts: intron variant (1).
Genome position (GRCh38, 1-based): chr8:60,852,100, T>C. VCF-style: chr8-60852100-T-C. GRCh37 (hg19) VCF-style: chr8-61764659-T-C.
Other names: c.1717-10129T>C (NM_001316690.1); short protein forms L1916P.
Identifiers: ClinVar variation 1306653 (VCV001306653.3), dbSNP rs2150807717, ClinGen allele CA371322632.
Genomic context (GRCh38, chr8:60,852,100, plus strand): 5'-CTGAGTTAGGCCAACTTTACTGGCCTAACACTTCAACCCTGACTACACGTCTGCGCCGGC[T>C]CATTACTGCCTATCAGCGCAGCTATAAAAGGCAACAGATGAGGCAAGAGGCCCTAATGAA-3'
Protein context (NP_060250.2, residues 1906-1926): TSTLTTRLRR[Leu1916Pro]ITAYQRSYKR